The following is an entry in ClinVar:

NM_207172.2(NPSR1):c.342C>T (p.Phe114=)

Genes: NPSR1 (neuropeptide S receptor 1; plus strand), NPSR1-AS1 (NPSR1 antisense RNA 1; minus strand). Cytogenetic location: 7p14.3.
Variant type: single nucleotide variant.
Coding change: c.342C>T on transcript NM_207172.2 (MANE Select); coding-DNA position 342, C replaced by T.
Protein change: p.Phe114=; no amino-acid change (phenylalanine 114 retained).
Molecular consequence: synonymous variant. On other transcripts: intron variant (1).
Genome position (GRCh38, 1-based): chr7:34,778,523, C>T. VCF-style: chr7-34778523-C-T. GRCh37 (hg19) VCF-style: chr7-34818135-C-T.
Other names: c.309C>T, p.Phe103= (NM_001300933.2); c.342C>T, p.Phe114= (NM_001300935.2, NM_207173.2); c.281-48878C>T (NM_001300934.2).
Identifiers: ClinVar variation 2657383 (VCV002657383.24), dbSNP rs1230310356, ClinGen allele CA454496278.

ClinVar aggregate classification (germline): Likely benign (1 of 4 stars; one submission).

Allele frequency attached by ClinVar (database versions not stated): TOPMed below 0.00001; gnomAD 0.00001.
gnomAD v4.1: 1 of 1,612,870 alleles (0.000062%); highest among the groups gnomAD compares: Non-Finnish European, 0.000085%; no homozygotes.

Submission:

CeGaT Center for Human Genetics Tuebingen
Classification: Likely benign. Last evaluated: 2022-05-01. Review status: criteria provided, single submitter. Criteria: CeGaT Center For Human Genetics Tuebingen Variant Classification Criteria Version 2. Collection method: clinical testing. Allele origin: germline. Affected: yes. Observed: 1 variant allele.
Comment: NPSR1: BP4, BP7